The following is an entry in ClinVar:

NM_000368.5(TSC1):c.1662C>A (p.Pro554=)

Gene: TSC1 (TSC complex subunit 1; minus strand). Cytogenetic location: 9q34.13.
Variant type: single nucleotide variant.
Coding change: c.1662C>A on transcript NM_000368.5 (MANE Select); coding-DNA position 1662, C replaced by A.
Protein change: p.Pro554=; no amino-acid change (proline 554 retained).
Molecular consequence: synonymous variant. On other transcripts: non-coding transcript variant (5).
Genome position (GRCh38, 1-based): chr9:132,905,916, G>T on the plus strand (C>A on the coding strand, the complement: TSC1 is on the minus strand). VCF-style: chr9-132905916-G-T. GRCh37 (hg19) VCF-style: chr9-135781303-G-T.
Other names: c.711C>A, p.Pro237= (NM_001406626.1); c.708C>A, p.Pro236= (NM_001406627.1, NM_001406628.1); c.609C>A, p.Pro203= (NM_001406629.1, NM_001406630.1); c.1299C>A, p.Pro433= (NM_001406619.1, NM_001406624.1, NM_001362177.2 and 5 more transcripts); c.1296C>A, p.Pro432= (NM_001406620.1, NM_001406621.1, NM_001406622.1 and 2 more transcripts); c.1659C>A, p.Pro553= (NM_001162426.2, NM_001406597.1, NM_001406598.1 and 6 more transcripts); c.1509C>A, p.Pro503= (NM_001162427.2, NM_001406610.1); c.1662C>A, p.Pro554= (NM_001406592.1, NM_001406593.1, NM_001406594.1 and 7 more transcripts); and 1 more.
Identifiers: ClinVar variation 3725753 (VCV003725753.3).

ClinVar aggregate classification (germline): Benign/Likely benign. Review status: criteria provided, multiple submitters, no conflicts (2 of 4 stars). 2 submissions from 2 submitters: Benign (1); Likely benign (1). Last evaluated 2025-05-13.

Conditions:
Tuberous sclerosis 1 (TSC1). Identifiers: Orphanet 805, MedGen C1854465, MONDO:0008612, OMIM 191100.

Submissions (2):

Labcorp Genetics (formerly Invitae), Labcorp
Classification: Likely benign for Tuberous sclerosis 1. Last evaluated: 2025-05-13. Review status: criteria provided, single submitter. Criteria: Invitae Variant Classification Sherloc (09022015). Collection method: clinical testing. Allele origin: germline.

Myriad Genetics, Inc.
Classification: Benign for Tuberous sclerosis 1. Last evaluated: 2025-04-10. Review status: criteria provided, single submitter. Criteria: Myriad Autosomal Dominant, Autosomal Recessive and X-Linked Classification Criteria (2023). Collection method: clinical testing. Allele origin: unknown.
Comment: This variant is considered benign. This variant is a silent/synonymous amino acid change and it is not expected to impact splicing.